The following is an entry in ClinVar:

ClinVar aggregate classification (germline): Conflicting classifications of pathogenicity. Review status: criteria provided, conflicting classifications (1 of 4 stars). 2 submissions from 2 submitters: Uncertain significance (1); Likely benign (1). Last evaluated 2025-11-07.

Conditions:
Cardiovascular phenotype. Identifiers: MedGen CN230736.
Aortic valve disease 2 (AOVD2). Identifiers: MedGen C3542024, MONDO:0013902, OMIM 614823.

Allele frequency attached by ClinVar (database versions not stated): ESP Exome Variant Server 0.00015; 1000 Genomes Project 30x 0.00016; 1000 Genomes Project 0.00020; TOPMed 0.00022; gnomAD 0.00024 and 0.00025.
gnomAD v4.1: 54 of 1,614,036 alleles (0.0033%); highest among the groups gnomAD compares: African/African-American, 0.055%; no homozygotes.

Submissions (2):

Ambry Genetics
Classification: Uncertain significance for Cardiovascular phenotype. Last evaluated: 2025-11-07. Review status: criteria provided, single submitter. Criteria: Ambry Variant Classification Scheme 2023. Collection method: clinical testing. Allele origin: germline.
Comment: The p.A34S variant (also known as c.100G>T), located in coding exon 1 of the TBX5 gene, results from a G to T substitution at nucleotide position 100. The alanine at codon 34 is replaced by serine, an amino acid with similar properties. This amino acid position is not well conserved in available vertebrate species, and serine is the reference amino acid in other vertebrate species. In addition, this alteration is predicted to be tolerated by in silico analysis. Since supporting evidence is limited at this time, the clinical significance of this alteration remains unclear.

Labcorp Genetics (formerly Invitae), Labcorp
Classification: Likely benign for Aortic valve disease 2. Last evaluated: 2025-06-09. Review status: criteria provided, single submitter. Criteria: Invitae Variant Classification Sherloc (09022015). Collection method: clinical testing. Allele origin: germline.

NM_181486.4(TBX5):c.100G>T (p.Ala34Ser)

Gene: TBX5 (T-box transcription factor 5; minus strand). Cytogenetic location: 12q24.21.
Variant type: single nucleotide variant.
Coding change: c.100G>T on transcript NM_181486.4 (MANE Select); coding-DNA position 100, G replaced by T.
Protein change: p.Ala34Ser; replaces alanine 34 with serine.
Molecular consequence: missense variant. On other transcripts: intron variant (1).
Genome position (GRCh38, 1-based): chr12:114,403,799, C>A on the plus strand (G>T on the coding strand, the complement: TBX5 is on the minus strand). VCF-style: chr12-114403799-C-A. GRCh37 (hg19) VCF-style: chr12-114841604-C-A.
Other names: c.100G>T, p.Ala34Ser (NM_000192.3); c.-3-1879G>T (NM_080717.4); short protein forms A34S.
Identifiers: ClinVar variation 1004824 (VCV001004824.13), dbSNP rs368311885, ClinGen allele CA6809721.
Genomic context (GRCh38, chr12:114,403,799, plus strand): 5'-GAGGTCTCCTTACCTGCTGGGTGAAGGCGGCCTGCGGGGACGACGGGGACTTGCTGGGGG[C>A]CCCGAGCGCGCTCTCGGGTTTCGAATCGCAGGGCAGGTCTTTTGCGTCAGGCTCCAGAGG-3'
Protein context (NP_852259.1, residues 24-44): CDSKPESALG[Ala34Ser]PSKSPSSPQA